The following is an entry in ClinVar:

NM_139215.3(TAF15):c.1447C>G (p.Arg483Gly)

Gene: TAF15 (TATA-box binding protein associated factor 15; plus strand). Cytogenetic location: 17q12.
Variant type: single nucleotide variant.
Coding change: c.1447C>G on transcript NM_139215.3 (MANE Select); coding-DNA position 1447, C replaced by G.
Protein change: p.Arg483Gly; replaces arginine 483 with glycine.
Molecular consequence: missense variant.
Genome position (GRCh38, 1-based): chr17:35,844,746, C>G. VCF-style: chr17-35844746-C-G. GRCh37 (hg19) VCF-style: chr17-34171750-C-G.
Other names: c.1438C>G, p.Arg480Gly (NM_003487.4); c.1447C>G (NM_139215.2); short protein forms R480G, R483G.
Identifiers: ClinVar variation 2469394 (VCV002469394.4), dbSNP rs368600342, ClinGen allele CA290041508.
Genomic context (GRCh38, chr17:35,844,746, plus strand): 5'-TATGGTGGGGACAGAGGAGGCGGCTATGGAGGAGACCGAGGAGGTGGCTATGGAGGAGAT[C>G]GAGGTGGCTATGGAGGAGACCGAGGTGGAGGCTATGGTGGAGACCGAGGAGGCTATGGAG-3'
Protein context (NP_631961.1, residues 473-493): GDRGGGYGGD[Arg483Gly]GGYGGDRGGG

ClinVar aggregate classification (germline): Uncertain significance. Review status: criteria provided, multiple submitters, no conflicts (2 of 4 stars). 2 submissions from 2 submitters: Uncertain significance (2). Last evaluated 2025-08-10.

Allele frequency attached by ClinVar (database versions not stated): ESP Exome Variant Server 0.00008; 1000 Genomes Project 0.00020.
gnomAD v4.1: 59 of 1,605,126 alleles (0.0037%); highest among the groups gnomAD compares: African/African-American, 0.0096%; no homozygotes.

Submissions (2):

Ambry Genetics
Classification: Uncertain significance. Last evaluated: 2025-08-10. Review status: criteria provided, single submitter. Criteria: Ambry Variant Classification Scheme 2023. Collection method: clinical testing. Allele origin: germline.

GeneDx
Classification: Uncertain significance. Last evaluated: 2025-01-14. Review status: criteria provided, single submitter. Criteria: GeneDx Variant Classification Process June 2021. Collection method: clinical testing. Allele origin: germline. Affected: yes.
Comment: In silico analysis supports that this missense variant has a deleterious effect on protein structure/function; Has not been previously published as pathogenic or benign to our knowledge